The following is an entry in ClinVar:

ClinVar aggregate classification (germline): Uncertain significance (1 of 4 stars; one submission).

Conditions:
Congenital myasthenic syndrome 8. Also called: MYASTHENIC SYNDROME, CONGENITAL, DUE TO AGRIN DEFICIENCY; Myasthenic syndrome, congenital, 8, with pre- and postsynaptic defects. Identifiers: Orphanet 590, MedGen C3808739, MONDO:0014052, OMIM 615120.

Allele frequency attached by ClinVar (database versions not stated): TOPMed below 0.00001; gnomAD 0.00001; gnomAD exomes 0.00001 and 0.00002; ExAC 0.00003.
gnomAD v4.1: 19 of 1,612,846 alleles (0.0012%); highest among the groups gnomAD compares: Non-Finnish European, 0.0014%; no homozygotes.

Submission:

Labcorp Genetics (formerly Invitae), Labcorp
Classification: Uncertain significance for Congenital myasthenic syndrome 8. Last evaluated: 2022-04-08. Review status: criteria provided, single submitter. Criteria: Invitae Variant Classification Sherloc (09022015). Collection method: clinical testing. Allele origin: germline.
Comment: This sequence change replaces asparagine, which is neutral and polar, with serine, which is neutral and polar, at codon 832 of the AGRN protein (p.Asn832Ser). This variant is present in population databases (rs761152280, gnomAD 0.004%). This variant has not been reported in the literature in individuals affected with AGRN-related conditions. Algorithms developed to predict the effect of missense changes on protein structure and function are either unavailable or do not agree on the potential impact of this missense change (SIFT: "Deleterious"; PolyPhen-2: "Possibly Damaging"; Align-GVGD: "Class C0"). In summary, the available evidence is currently insufficient to determine the role of this variant in disease. Therefore, it has been classified as a Variant of Uncertain Significance.

NM_198576.4(AGRN):c.2495A>G (p.Asn832Ser)

Gene: AGRN (agrin; plus strand). Cytogenetic location: 1p36.33.
Variant type: single nucleotide variant.
Coding change: c.2495A>G on transcript NM_198576.4 (MANE Select); coding-DNA position 2495, A replaced by G.
Protein change: p.Asn832Ser; replaces asparagine 832 with serine.
Molecular consequence: missense variant.
Genome position (GRCh38, 1-based): chr1:1,045,482, A>G. VCF-style: chr1-1045482-A-G. GRCh37 (hg19) VCF-style: chr1-980862-A-G.
Other names: c.2495A>G, p.Asn832Ser (NM_001305275.2); c.2180A>G, p.Asn727Ser (NM_001364727.2); short protein forms N727S, N832S.
Identifiers: ClinVar variation 1433364 (VCV001433364.6), dbSNP rs761152280, ClinGen allele CA508648.